The following is an entry in ClinVar:

ClinVar aggregate classification (germline): Conflicting classifications of pathogenicity. Review status: criteria provided, conflicting classifications (1 of 4 stars). 2 submissions from 2 submitters: Uncertain significance (1); Likely benign (1). Last evaluated 2024-09-20.

Conditions:
Alpha thalassemia-X-linked intellectual disability syndrome (ATRX). Also called: ALPHA-THALASSEMIA/MENTAL RETARDATION SYNDROME, X-LINKED; ATR, NONDELETION TYPE; ATR-X syndrome; Alpha thalassemia mental retardation syndrome, nondeletion type, X-linked; XLMR hypotonic face syndrome; X-linked alpha-thalassemia-mental retardation syndrome. Identifiers: Orphanet 847, MedGen C1845055, MONDO:0010519, OMIM 301040.
Intellectual disability-hypotonic facies syndrome, X-linked, 1 (MRXHF1). Also called: CHUDLEY-LOWRY SYNDROME; Chudley syndrome 1; Chudley-Lowry-Hoar syndrome; Carpenter-Waziri syndrome; XLMR-HYPOTONIC FACIES SYNDROME; X-linked intellectual disability-hypotonic face syndrome. Identifiers: Orphanet 73220, Orphanet 93970, Orphanet 93971, Orphanet 93972, Orphanet 93973, Orphanet 93974, Orphanet 93975, MedGen C4759781, MONDO:0010663, OMIM 309580.

Submissions (2):

3billion
Classification: Likely benign for Alpha thalassemia-X-linked intellectual disability syndrome; Intellectual disability-hypotonic facies syndrome, X-linked, 1. Last evaluated: 2024-09-20. Review status: criteria provided, single submitter. Criteria: ACMG Guidelines, 2015. Collection method: clinical testing. Allele origin: germline. Affected: no.
Comment: The hemizygous variant was found in patients diagnosed with another variant in a different gene, with no symptoms related to the gene containing the hemizygous variant.

GeneDx
Classification: Uncertain significance. Last evaluated: 2023-11-03. Review status: criteria provided, single submitter. Criteria: GeneDx Variant Classification Process June 2021. Collection method: clinical testing. Allele origin: germline.
Comment: Not observed at significant frequency in large population cohorts (gnomAD); In silico analysis supports that this missense variant has a deleterious effect on protein structure/function; Has not been previously published as pathogenic or benign to our knowledge

NM_000489.6(ATRX):c.233G>T (p.Arg78Leu)

Gene: ATRX (ATRX chromatin remodeler; minus strand). Cytogenetic location: Xq21.1.
Variant type: single nucleotide variant.
Coding change: c.233G>T on transcript NM_000489.6 (MANE Select); coding-DNA position 233, G replaced by T.
Protein change: p.Arg78Leu; replaces arginine 78 with leucine.
Molecular consequence: missense variant.
Genome position (GRCh38, 1-based): chrX:77,697,592, C>A on the plus strand (G>T on the coding strand, the complement: ATRX is on the minus strand). VCF-style: chrX-77697592-C-A. GRCh37 (hg19) VCF-style: chrX-76953080-C-A.
Other names: c.233G>T, p.Arg78Leu (NM_138270.5); short protein forms R78L.
Identifiers: ClinVar variation 2444650 (VCV002444650.3), dbSNP rs2072253922, ClinGen allele CA413724250.
Genomic context (GRCh38, chrX:77,697,592, plus strand): 5'-AAAATAACCTGAAAAAGAAAATAACTTTTTGTCCCTTCAACATCAACCAACCTCTTTGAT[C>A]GTGACGATCCTGAAGACTTGGATTTTTCTGAAGAGCTAGTTCCCTAGATGTGAGACATAA-3'
Protein context (NP_000480.3, residues 68-88): SEKSKSSGSS[Arg78Leu]SKRKPSIVTK